The following is an entry in ClinVar:

ClinVar aggregate classification (germline): Uncertain significance (1 of 4 stars; one submission).

Submission:

GeneDx
Classification: Uncertain significance. Last evaluated: 2022-03-05. Review status: criteria provided, single submitter. Criteria: GeneDx Variant Classification Process June 2021. Collection method: clinical testing. Allele origin: germline. Affected: yes.
Comment: Not observed at significant frequency in large population cohorts (gnomAD); In silico analysis supports that this missense variant does not alter protein structure/function; Has not been previously published as pathogenic or benign to our knowledge

NM_001110556.2(FLNA):c.1708G>T (p.Val570Leu)

Gene: FLNA (filamin A; minus strand). Cytogenetic location: Xq28.
Variant type: single nucleotide variant.
Coding change: c.1708G>T on transcript NM_001110556.2 (MANE Select); coding-DNA position 1708, G replaced by T.
Protein change: p.Val570Leu; replaces valine 570 with leucine.
Molecular consequence: missense variant.
Genome position (GRCh38, 1-based): chrX:154,364,941, C>A on the plus strand (G>T on the coding strand, the complement: FLNA is on the minus strand). VCF-style: chrX-154364941-C-A. GRCh37 (hg19) VCF-style: chrX-153593309-C-A.
Other names: c.1708G>T, p.Val570Leu (NM_001456.4); short protein forms V570L.
Identifiers: ClinVar variation 1704004 (VCV001704004.2), dbSNP rs2522756088, ClinGen allele CA415242824.
Genomic context (GRCh38, chrX:154,364,941, plus strand): 5'-CGCCGCCCTCCAGCCCAGGGCCCCAGGCCCGTACCTTCTGATTGCCACACTCGGTGCCCA[C>A]CTTCACTTCGAAGGGACTGCAAATGCGAGAGCCACACAGGGAACACCGAGGATCACCACA-3'
Protein context (NP_001104026.1, residues 560-580): NIGRSPFEVK[Val570Leu]GTECGNQKVR